The following is an entry in ClinVar:

NM_005869.4(CWC27):c.1101T>G (p.Tyr367Ter)

Gene: CWC27 (CWC27 spliceosome associated cyclophilin; plus strand). Cytogenetic location: 5q12.3.
Variant type: single nucleotide variant.
Coding change: c.1101T>G on transcript NM_005869.4 (MANE Select); coding-DNA position 1101, T replaced by G.
Protein change: p.Tyr367Ter; replaces tyrosine 367 with a stop codon.
Molecular consequence: nonsense.
Genome position (GRCh38, 1-based): chr5:64,971,761, T>G. VCF-style: chr5-64971761-T-G. GRCh37 (hg19) VCF-style: chr5-64267588-T-G.
Other names: c.1101T>G, p.Tyr367Ter (NM_001297644.1); short protein forms Y367*.
Identifiers: ClinVar variation 1454480 (VCV001454480.7), dbSNP rs927473472, ClinGen allele CA120336717.

ClinVar aggregate classification (germline): Pathogenic/Likely pathogenic. Review status: criteria provided, multiple submitters, no conflicts (2 of 4 stars). 2 submissions from 2 submitters: Pathogenic (1); Likely pathogenic (1). Last evaluated 2022-09-07.

Conditions:
CWC27-related disorder. Also called: CWC27-related condition.

Allele frequency attached by ClinVar (database versions not stated): TOPMed below 0.00001.
gnomAD v4.1: 5 of 1,612,426 alleles (0.00031%); no homozygotes.

Submissions (2):

Labcorp Genetics (formerly Invitae), Labcorp
Classification: Pathogenic. Last evaluated: 2022-09-07. Review status: criteria provided, single submitter. Criteria: Invitae Variant Classification Sherloc (09022015). Collection method: clinical testing. Allele origin: germline.
Comment: This variant is not present in population databases (gnomAD no frequency). For these reasons, this variant has been classified as Pathogenic. ClinVar contains an entry for this variant (Variation ID: 1454480). This variant has not been reported in the literature in individuals affected with CWC27-related conditions. This sequence change creates a premature translational stop signal (p.Tyr367*) in the CWC27 gene. It is expected to result in an absent or disrupted protein product. Loss-of-function variants in CWC27 are known to be pathogenic (PMID: 28285769).

Blueprint Genetics
Classification: Likely pathogenic for CWC27-related disorders. Last evaluated: 2022-04-19. Review status: criteria provided, single submitter. Criteria: ACMG Guidelines, 2015. Collection method: clinical testing. Allele origin: germline. Affected: yes. Observed: 1 variant allele.

Literature cited by the submitters: PubMed 28285769 (cited by Labcorp Genetics (formerly Invitae), Labcorp).